The following is an entry in ClinVar:

NM_015915.5(ATL1):c.1193C>A (p.Ser398Tyr)

Gene: ATL1 (atlastin GTPase 1; plus strand). Cytogenetic location: 14q22.1.
Variant type: single nucleotide variant.
Coding change: c.1193C>A on transcript NM_015915.5 (MANE Select); coding-DNA position 1193, C replaced by A.
Protein change: p.Ser398Tyr; replaces serine 398 with tyrosine.
Molecular consequence: missense variant.
Genome position (GRCh38, 1-based): chr14:50,628,104, C>A. VCF-style: chr14-50628104-C-A. GRCh37 (hg19) VCF-style: chr14-51094822-C-A.
Other names: c.1193C>A, p.Ser398Tyr (NM_001127713.1, NM_181598.4); short protein forms S398Y.
Identifiers: ClinVar variation 219428 (VCV000219428.7), dbSNP rs864622083, ClinGen allele CA348222.

ClinVar aggregate classification (germline): Likely pathogenic. Review status: criteria provided, single submitter (1 of 4 stars). 2 submissions from 2 submitters: Likely pathogenic (1). 1 of the submissions does not count toward it. Last evaluated 2015-07-06.

Conditions:
Hereditary spastic paraplegia 3A (SPG3A). Also called: SPASTIC PARAPLEGIA 3, AUTOSOMAL DOMINANT; FAMILIAL SPASTIC PARAPLEGIA, AUTOSOMAL DOMINANT, 1; SPG3; STRUMPELL DISEASE; Spastic Paraplegia 3A; Spastic paraplegia 3A, autosomal dominant. Identifiers: Orphanet 100984, MedGen C2931355, MONDO:0008437, OMIM 182600.

Submissions (2):

Labcorp Genetics (formerly Invitae), Labcorp
Classification: Likely pathogenic for Hereditary spastic paraplegia 3A. Last evaluated: 2015-07-06. Review status: criteria provided, single submitter. Criteria: Invitae Variant Classification Sherloc (09022015). Collection method: clinical testing. Allele origin: germline.
Comment: For these reasons, this variant has been classified as Likely Pathogenic. A different missense substitution at this codon (p.Ser398Phe) is reported to be deleterious (PMID: 19735987). This suggests that the serine residue is important for ATL1 protein function. This variant has been reported in the literature and is not present in population databases. This variant was reported in an individual affected with autosomal dominant hereditary spastic paraplegia, although it is unclear if this variant segregated with disease (PMID: 15596607). This sequence change replaces serine with tyrosine at codon 398 of the ATL1 protein (p.Ser398Tyr). The serine residue is moderately conserved and there is a large physicochemical difference between serine and tyrosine.

Inherited Neuropathy Consortium Ii, University Of Miami
Classification: Uncertain significance for Hereditary spastic paraplegia 3A. Last evaluated: 2016-01-06. Review status: no assertion criteria provided. Collection method: literature only. Allele origin: germline. Affected: yes. Not counted in ClinVar's aggregate classification.

Literature cited by the submitters: PubMed 19735987 (cited by Labcorp Genetics (formerly Invitae), Labcorp); PubMed 15596607 (cited by Labcorp Genetics (formerly Invitae), Labcorp); PubMed 21208200 (cited by Inherited Neuropathy Consortium Ii, University Of Miami).